The following is an entry in ClinVar:

ClinVar aggregate classification (germline): Conflicting classifications of pathogenicity. Review status: criteria provided, conflicting classifications (1 of 4 stars). 3 submissions from 3 submitters: Uncertain significance (1); Benign (1); Likely benign (1). Last evaluated 2026-02-01.

Conditions:
Long QT syndrome (LQTS). Identifiers: MedGen C0023976, MeSH D008133, MONDO:0002442. Disease mechanism: loss of function. Inheritance: Various modes of inheritance.

Allele frequency attached by ClinVar (database versions not stated): ExAC 0.00002; gnomAD exomes 0.00002; TOPMed 0.00005; gnomAD 0.00010; 1000 Genomes Project 30x 0.00016; 1000 Genomes Project 0.00020.
gnomAD v4.1: 31 of 1,607,408 alleles (0.0019%); highest among the groups gnomAD compares: Middle Eastern, 0.066%; 1 homozygote.

Submissions (3):

Labcorp Genetics (formerly Invitae), Labcorp
Classification: Likely benign for Long QT syndrome. Last evaluated: 2026-02-01. Review status: criteria provided, single submitter. Criteria: Invitae Variant Classification Sherloc (09022015). Collection method: clinical testing. Allele origin: germline.

GeneDx
Classification: Benign. Last evaluated: 2015-04-29. Review status: criteria provided, single submitter. Criteria: GeneDx Variant Classification (06012015). Collection method: clinical testing. Allele origin: germline. Affected: yes.
Comment: This variant is considered likely benign or benign based on one or more of the following criteria: it is a conservative change, it occurs at a poorly conserved position in the protein, it is predicted to be benign by multiple in silico algorithms, and/or has population frequency not consistent with disease.

Eurofins Ntd Llc (ga)
Classification: Uncertain significance. Last evaluated: 2015-01-06. Review status: criteria provided, single submitter. Criteria: EGL Classification Definitions 2015. Collection method: clinical testing. Allele origin: germline. Observed: 1 variant allele, 1 heterozygote.

NM_000719.7(CACNA1C):c.4624-8G>A

Genes: CACNA1C (calcium voltage-gated channel subunit alpha1 C; plus strand), CACNA1C-AS2 (CACNA1C antisense RNA 2; minus strand). Cytogenetic location: 12p13.33.
Variant type: single nucleotide variant.
Coding change: c.4624-8G>A on transcript NM_000719.7 (MANE Select); 8 bases into the intron before coding-DNA position 4624, G replaced by A.
Molecular consequence: intron variant. On other transcripts: non-coding transcript variant (1).
Genome position (GRCh38, 1-based): chr12:2,668,925, G>A. VCF-style: chr12-2668925-G-A. GRCh37 (hg19) VCF-style: chr12-2778091-G-A.
Other names: c.4624-8G>A (NM_001167624.3, NM_001167623.2, NM_001129840.2 and 7 more transcripts); c.4591-8G>A (NM_001167625.2, NM_001129837.2, NM_001129838.2 and 1 more transcripts); c.4768-8G>A (NM_199460.4, NM_001129827.2); c.4684-8G>A (NM_001129832.2); c.4708-8G>A (NM_001129831.2); c.4690-8G>A (NM_001129829.2); c.4585-8G>A (NM_001129839.2); c.4675-8G>A (NM_001129836.2); and 1 more.
Identifiers: ClinVar variation 197026 (VCV000197026.15), dbSNP rs529345041, ClinGen allele CA244916.